The following is an entry in ClinVar:

NM_033380.3(COL4A5):c.1586C>A (p.Pro529Gln)

Gene: COL4A5 (collagen type IV alpha 5 chain; plus strand). Cytogenetic location: Xq22.3.
Variant type: single nucleotide variant.
Coding change: c.1586C>A on transcript NM_033380.3 (MANE Select); coding-DNA position 1586, C replaced by A.
Protein change: p.Pro529Gln; replaces proline 529 with glutamine.
Molecular consequence: missense variant.
Genome position (GRCh38, 1-based): chrX:108,597,067, C>A. VCF-style: chrX-108597067-C-A. GRCh37 (hg19) VCF-style: chrX-107840297-C-A.
Other names: c.1586C>A, p.Pro529Gln (NM_000495.5); c.1586C>A (NM_000495.4); short protein forms P529Q.
Identifiers: ClinVar variation 1164649 (VCV001164649.11), dbSNP rs758983710, ClinGen allele CA10488764.

ClinVar aggregate classification (germline): Benign/Likely benign. Review status: criteria provided, multiple submitters, no conflicts (2 of 4 stars). 3 submissions from 3 submitters: Benign (1); Likely benign (1). 1 of the submissions does not count toward it. Last evaluated 2026-03-05.

Conditions:
COL4A5-related disorder. Also called: COL4A5-related condition.
X-linked Alport syndrome (ATS1). Also called: COL4A5-Related Nephropathy; NEPHROPATHY AND DEAFNESS, X-LINKED. Identifiers: Orphanet 63, Orphanet 88917, MedGen C4746986, MONDO:0010520, OMIM 301050.

Allele frequency attached by ClinVar (database versions not stated): gnomAD 0.00001; gnomAD exomes 0.00004 and 0.00006; ExAC 0.00009.
gnomAD v4.1: 46 of 1,187,497 alleles (0.0039%); highest among the groups gnomAD compares: South Asian, 0.079%; 1 homozygote.

Submissions (3):

PreventionGenetics, part of Exact Sciences
Classification: Likely benign for COL4A5-related condition. Last evaluated: 2026-03-05. Review status: criteria provided, single submitter. Criteria: ACMG Guidelines, 2015. Collection method: clinical testing. Allele origin: germline.
Comment: This variant is classified as likely benign based on ACMG/AMP sequence variant interpretation guidelines (Richards et al. 2015 PMID: 25741868, with internal and published modifications).

Labcorp Genetics (formerly Invitae), Labcorp
Classification: Benign. Last evaluated: 2026-01-13. Review status: criteria provided, single submitter. Criteria: Invitae Variant Classification Sherloc (09022015). Collection method: clinical testing. Allele origin: germline.

Natera, Inc.
Classification: Likely benign for X-linked Alport syndrome. Last evaluated: 2021-07-05. Review status: no assertion criteria provided. Collection method: clinical testing. Allele origin: germline. Not counted in ClinVar's aggregate classification.